The following is an entry in ClinVar:

ClinVar aggregate classification (germline): Uncertain significance. Review status: criteria provided, multiple submitters, no conflicts (2 of 4 stars). 2 submissions from 2 submitters: Uncertain significance (2). Last evaluated 2022-03-09.

Conditions:
Cardiovascular phenotype. Identifiers: MedGen CN230736.

Submissions (2):

Revvity Omics, Revvity
Classification: Uncertain significance. Last evaluated: 2022-03-09. Review status: criteria provided, single submitter. Criteria: ACMG Guidelines, 2015. Collection method: clinical testing. Allele origin: germline.

Ambry Genetics
Classification: Uncertain significance for Cardiovascular phenotype. Last evaluated: 2020-02-10. Review status: criteria provided, single submitter. Criteria: Ambry Variant Classification Scheme 2023. Collection method: clinical testing. Allele origin: germline.
Comment: The c.4138_4152del15 variant (also known as p.A1389_P1393del) is located in coding exon 23 of the TTN gene. This variant results from an in-frame AGGATGTCTCCTGCA deletion at nucleotide positions 4138 to 4152. This results in the in-frame deletion of amino acids ARMSP beginning at codon 1389. These amino acid positions are not well conserved in available vertebrate species. Since supporting evidence is limited at this time, the clinical significance of this alteration remains unclear.

NM_001267550.2(TTN):c.4276_4290del (p.1420ARMSP[3])

Genes: TTN (titin; minus strand), LOC101927055 (uncharacterized LOC101927055; plus strand). Cytogenetic location: 2q31.2.
Variant type: Deletion.
Coding change: c.4276_4290del on transcript NM_001267550.2 (MANE Select); coding-DNA positions 4276 to 4290, 15 bases deleted (AGGATGTCTCCTGCA).
Protein change: p.1420ARMSP[3].
Molecular consequence: inframe deletion. On other transcripts: non-coding transcript variant (1).
Genome position (GRCh38, 1-based): chr2:178,777,894-178,777,908, TGCAGGAGACATCCT deleted on the plus strand (AGGATGTCTCCTGCA on the coding strand, the reverse complement: TTN is on the minus strand); deleting any 15 consecutive bases within chr2:178,777,894-178,777,914 gives the same sequence; the c. name uses the placement nearest the transcript's 3' end. VCF-style (leftmost placement, unchanged base first): chr2-178777893-GTGCAGGAGACATCCT-G. GRCh37 (hg19) VCF-style: chr2-179642620-GTGCAGGAGACATCCT-G.
Other names: c.4138_4152del15 (NM_003319.4); c.4276_4290del, p.1420ARMSP[3] (NM_001256850.1, NM_133378.4, NM_133379.5); c.4138_4152del, p.1374ARMSP[3] (NM_003319.4, NM_133432.3, NM_133437.4).
Identifiers: ClinVar variation 1738122 (VCV001738122.5), dbSNP rs1561311092, ClinGen allele CA538438325.